The following is an entry in ClinVar:

NM_001130438.3(SPTAN1):c.6238C>T (p.Arg2080Cys)

Gene: SPTAN1 (spectrin alpha, non-erythrocytic 1; plus strand). Cytogenetic location: 9q34.11.
Variant type: single nucleotide variant.
Coding change: c.6238C>T on transcript NM_001130438.3 (MANE Select); coding-DNA position 6238, C replaced by T.
Protein change: p.Arg2080Cys; replaces arginine 2080 with cysteine.
Molecular consequence: missense variant.
Genome position (GRCh38, 1-based): chr9:128,625,937, C>T. VCF-style: chr9-128625937-C-T. GRCh37 (hg19) VCF-style: chr9-131388216-C-T.
Other names: c.6163C>T, p.Arg2055Cys (NM_001195532.2); c.6238C>T, p.Arg2080Cys (NM_001363759.2); c.6178C>T, p.Arg2060Cys (NM_001363765.2); c.6223C>T, p.Arg2075Cys (NM_003127.4); short protein forms R2080C, R2060C, R2055C, R2075C.
Identifiers: ClinVar variation 588223 (VCV000588223.18), dbSNP rs1564315398, ClinGen allele CA375087228.

ClinVar aggregate classification (germline): Conflicting classifications of pathogenicity. Review status: criteria provided, conflicting classifications (1 of 4 stars). 3 submissions from 3 submitters: Uncertain significance (2); Likely benign (1). Last evaluated 2022-09-30.

Conditions:
Early-infantile DEE. Also called: Early infantile epileptic encephalopathy; Ohtahara syndrome; Early infantile epileptic encephalopathy with suppression bursts. Identifiers: Orphanet 1934, MedGen C0393706, MONDO:0800491.
Inborn genetic diseases. Identifiers: MedGen C0950123, MeSH D030342.
Developmental and epileptic encephalopathy, 5 (DEE5). Identifiers: Orphanet 3451, MedGen C3150731, MONDO:0013277, OMIM 613477.

Allele frequency attached by ClinVar (database versions not stated): gnomAD exomes below 0.00001; TOPMed below 0.00001.
gnomAD v4.1: 1 of 1,614,156 alleles (0.000062%); highest among the groups gnomAD compares: Non-Finnish European, 0.000085%; no homozygotes.

Submissions (3):

Labcorp Genetics (formerly Invitae), Labcorp
Classification: Likely benign for Early-infantile DEE. Last evaluated: 2022-09-30. Review status: criteria provided, single submitter. Criteria: Invitae Variant Classification Sherloc (09022015). Collection method: clinical testing. Allele origin: germline.

Genome-Nilou Lab
Classification: Uncertain significance for Developmental and epileptic encephalopathy, 5. Last evaluated: 2021-07-15. Review status: criteria provided, single submitter. Criteria: ACMG Guidelines, 2015. Collection method: clinical testing. Allele origin: germline. Affected: no.

Ambry Genetics
Classification: Uncertain significance for Inborn genetic diseases. Last evaluated: 2016-09-02. Review status: criteria provided, single submitter. Criteria: Ambry Variant Classification Scheme 2023. Collection method: clinical testing. Allele origin: germline.
Comment: The p.R2080C variant (also known as c.6238C>T), located in coding exon 47 of the SPTAN1 gene, results from a C to T substitution at nucleotide position 6238. The arginine at codon 2080 is replaced by cysteine, an amino acid with highly dissimilar properties. This variant was not reported in population based cohorts in the following databases: Database of Single Nucleotide Polymorphisms (dbSNP), NHLBI Exome Sequencing Project (ESP), and 1000 Genomes Project. In the ESP, this variant was not observed in 6503 samples (13006 alleles) with coverage at this position. This amino acid position is highly conserved in available vertebrate species. In addition, this alteration is predicted to be deleterious by in silico analysis. Since supporting evidence is limited at this time, the clinical significance of this alteration remains unclear.